The following is an entry in ClinVar:

ClinVar aggregate classification (germline): Pathogenic (1 of 4 stars; one submission).

Conditions:
Neurodegeneration with brain iron accumulation 5 (NBIA5). Also called: STATIC ENCEPHALOPATHY OF CHILDHOOD WITH NEURODEGENERATION IN ADULTHOOD; Beta-propeller protein-associated neurodegeneration. Identifiers: Orphanet 329284, MedGen C3550973, MONDO:0010476, OMIM 300894.

Submission:

Labcorp Genetics (formerly Invitae), Labcorp
Classification: Pathogenic for Neurodegeneration with brain iron accumulation 5. Last evaluated: 2019-04-30. Review status: criteria provided, single submitter. Criteria: Invitae Variant Classification Sherloc (09022015). Collection method: clinical testing. Allele origin: germline.
Comment: For these reasons, this variant has been classified as Pathogenic. Donor and acceptor splice site variants typically lead to a loss of protein function (PMID: 16199547), and loss-of-function variants in WDR45 are known to be pathogenic (PMID: 23176820, 24368176, 24621584, 25744623, 26790960, 27030146, 27652284, 28554332). This variant has been observed to be de novo in an individual affected with clinical features of WDR45-related conditions (Invitae). This variant is not present in population databases (ExAC no frequency). This sequence change affects an acceptor splice site in intron 3 of the WDR45 gene. It is expected to disrupt RNA splicing and likely results in an absent or disrupted protein product.

Literature cited by the submitters: PubMed 16199547; PubMed 23176820; PubMed 24368176; PubMed 24621584; PubMed 25744623; PubMed 26790960; PubMed 27030146; PubMed 27652284; PubMed 28554332.

NM_001029896.2(WDR45):c.56-2A>G

Genes: WDR45 (WD repeat domain 45; minus strand), LOC126863256 (BRD4-independent group 4 enhancer GRCh37_chrX:48934848-48936047; plus strand). Cytogenetic location: Xp11.23.
Variant type: single nucleotide variant.
Coding change: c.56-2A>G on transcript NM_001029896.2 (MANE Select); the canonical splice acceptor site of the intron before coding-DNA position 56, A replaced by G.
Molecular consequence: splice acceptor variant.
Genome position (GRCh38, 1-based): chrX:49,077,913, T>C on the plus strand (A>G on the coding strand, the complement: WDR45 is on the minus strand). VCF-style: chrX-49077913-T-C. GRCh37 (hg19) VCF-style: chrX-48935572-T-C.
Other names: c.56-2A>G (NM_007075.4).
Identifiers: ClinVar variation 649495 (VCV000649495.11), dbSNP rs1602540595, ClinGen allele CA412949463.
Genomic context (GRCh38, chrX:49,077,913, plus strand): 5'-CATCAAGGGCTCCACGTTGTAGATGCGCACACCTGTCTCCATGGCGCAGCAAAAGCAGCC[T>C]GGGGGATGGAAGGAATCCAGACTGCCTTAAAGAATGCCCAGGTAGGAAGCTGGGGGCCCA-3'